The following is an entry in ClinVar:

NM_000489.6(ATRX):c.5302A>T (p.Asn1768Tyr)

Gene: ATRX (ATRX chromatin remodeler; minus strand). Cytogenetic location: Xq21.1.
Variant type: single nucleotide variant.
Coding change: c.5302A>T on transcript NM_000489.6 (MANE Select); coding-DNA position 5302, A replaced by T.
Protein change: p.Asn1768Tyr; replaces asparagine 1768 with tyrosine.
Molecular consequence: missense variant.
Genome position (GRCh38, 1-based): chrX:77,618,952, T>A on the plus strand (A>T on the coding strand, the complement: ATRX is on the minus strand). VCF-style: chrX-77618952-T-A. GRCh37 (hg19) VCF-style: chrX-76874420-T-A.
Other names: c.5188A>T, p.Asn1730Tyr (NM_138270.5); short protein forms N1730Y, N1768Y.
Identifiers: ClinVar variation 1709219 (VCV001709219.2), dbSNP rs2522073623, ClinGen allele CA413701084.

ClinVar aggregate classification (germline): Uncertain significance (1 of 4 stars; one submission).

Conditions:
Intellectual disability-hypotonic facies syndrome, X-linked, 1 (MRXHF1). Also called: X-linked intellectual disability-hypotonic face syndrome; XLMR-HYPOTONIC FACIES SYNDROME; CHUDLEY-LOWRY SYNDROME; Chudley syndrome 1; Chudley-Lowry-Hoar syndrome; Carpenter-Waziri syndrome. Identifiers: Orphanet 73220, Orphanet 93970, Orphanet 93971, Orphanet 93972, Orphanet 93973, Orphanet 93974, Orphanet 93975, MedGen C4759781, MONDO:0010663, OMIM 309580.

Submission:

MGZ Medical Genetics Center
Classification: Uncertain significance for Intellectual disability-hypotonic facies syndrome, X-linked, 1. Last evaluated: 2022-03-04. Review status: criteria provided, single submitter. Criteria: ACMG Guidelines, 2015. Collection method: clinical testing. Allele origin: germline. Affected: yes. Observed: 1 variant allele.
Comment: ACMG criteria applied: PM1, PM2_SUP, PP2, PP3